The following is an entry in ClinVar:

NM_199355.4(ADAMTS18):c.3595C>G (p.Pro1199Ala)

Gene: ADAMTS18 (ADAM metallopeptidase with thrombospondin type 1 motif 18; minus strand). Cytogenetic location: 16q23.1.
Variant type: single nucleotide variant.
Coding change: c.3595C>G on transcript NM_199355.4 (MANE Select); coding-DNA position 3595, C replaced by G.
Protein change: p.Pro1199Ala; replaces proline 1199 with alanine.
Molecular consequence: missense variant.
Genome position (GRCh38, 1-based): chr16:77,284,027, G>C on the plus strand (C>G on the coding strand, the complement: ADAMTS18 is on the minus strand). VCF-style: chr16-77284027-G-C. GRCh37 (hg19) VCF-style: chr16-77317924-G-C.
Other names: c.3079C>G, p.Pro1027Ala (NM_001326358.2); short protein forms P1027A, P1199A.
Identifiers: ClinVar variation 1044023 (VCV001044023.8), dbSNP rs1057368919, ClinGen allele CA284413673.
Genomic context (GRCh38, chr16:77,284,027, plus strand): 5'-TTGTGCATGACTTGCAGCATTGTTTTCCGTAAAACTTGTGGTTGCAGACACCATGCTGAG[G>C]AACTAGGTGACACCAGTTGAAGAAATCTACGCAGGATGGATCCTCTAAAATAAGAAAATA-3'
Protein context (NP_955387.1, residues 1189-1209): VDFFNWCHLV[Pro1199Ala]QHGVCNHKFY

ClinVar aggregate classification (germline): Uncertain significance (1 of 4 stars; one submission).

Allele frequency attached by ClinVar (database versions not stated): gnomAD 0.00001; gnomAD exomes 0.00001 and 0.00002; TOPMed 0.00002.
gnomAD v4.1: 32 of 1,613,794 alleles (0.002%); highest among the groups gnomAD compares: Non-Finnish European, 0.0027%; no homozygotes.

Submission:

Labcorp Genetics (formerly Invitae), Labcorp
Classification: Uncertain significance. Last evaluated: 2023-08-04. Review status: criteria provided, single submitter. Criteria: Invitae Variant Classification Sherloc (09022015). Collection method: clinical testing. Allele origin: germline.
Comment: This sequence change replaces proline, which is neutral and non-polar, with alanine, which is neutral and non-polar, at codon 1199 of the ADAMTS18 protein (p.Pro1199Ala). This variant is present in population databases (no rsID available, gnomAD 0.003%). This variant has not been reported in the literature in individuals affected with ADAMTS18-related conditions. ClinVar contains an entry for this variant (Variation ID: 1044023). An algorithm developed to predict the effect of missense changes on protein structure and function (PolyPhen-2) suggests that this variant is likely to be disruptive. In summary, the available evidence is currently insufficient to determine the role of this variant in disease. Therefore, it has been classified as a Variant of Uncertain Significance.